The following is an entry in ClinVar:

NM_001367624.2(ZNF469):c.10460G>A (p.Gly3487Asp)

Gene: ZNF469 (zinc finger protein 469; plus strand). Cytogenetic location: 16q24.2.
Variant type: single nucleotide variant.
Coding change: c.10460G>A on transcript NM_001367624.2 (MANE Select); coding-DNA position 10460, G replaced by A.
Protein change: p.Gly3487Asp; replaces glycine 3487 with aspartic acid.
Molecular consequence: missense variant.
Genome position (GRCh38, 1-based): chr16:88,437,930, G>A. VCF-style: chr16-88437930-G-A. GRCh37 (hg19) VCF-style: chr16-88504338-G-A.
Other names: short protein forms G3487D.
Identifiers: ClinVar variation 3632014 (VCV003632014.2).

ClinVar aggregate classification (germline): Uncertain significance (1 of 4 stars; one submission).

gnomAD v4.1: 1 of 1,540,958 alleles (0.000065%); highest among the groups gnomAD compares: Non-Finnish European, 0.000088%; no homozygotes.

Submission:

Labcorp Genetics (formerly Invitae), Labcorp
Classification: Uncertain significance. Last evaluated: 2024-10-14. Review status: criteria provided, single submitter. Criteria: Invitae Variant Classification Sherloc (09022015). Collection method: clinical testing. Allele origin: germline.
Comment: This sequence change replaces glycine, which is neutral and non-polar, with aspartic acid, which is acidic and polar, at codon 3459 of the ZNF469 protein (p.Gly3459Asp). This variant is present in population databases (no rsID available, gnomAD 0.004%). This variant has not been reported in the literature in individuals affected with ZNF469-related conditions. An algorithm developed to predict the effect of missense changes on protein structure and function outputs the following: PolyPhen-2: "Benign". The aspartic acid amino acid residue is found in multiple mammalian species, which suggests that this missense change does not adversely affect protein function. In summary, the available evidence is currently insufficient to determine the role of this variant in disease. Therefore, it has been classified as a Variant of Uncertain Significance.